The following is an entry in ClinVar:

ClinVar aggregate classification (germline): Uncertain significance (1 of 4 stars; one submission).

Conditions:
Familial melanoma. Also called: Hereditary melanoma; Hereditary cutaneous melanoma. Identifiers: Orphanet 618, MedGen C1512419, MONDO:0018961.

Submission:

Labcorp Genetics (formerly Invitae), Labcorp
Classification: Uncertain significance for Familial melanoma. Last evaluated: 2021-11-24. Review status: criteria provided, single submitter. Criteria: Invitae Variant Classification Sherloc (09022015). Collection method: clinical testing. Allele origin: germline.
Comment: This sequence change replaces proline, which is neutral and non-polar, with threonine, which is neutral and polar, at codon 11 of the CDKN2A (p16INK4a) protein (p.Pro11Thr). In summary, the available evidence is currently insufficient to determine the role of this variant in disease. Therefore, it has been classified as a Variant of Uncertain Significance. Algorithms developed to predict the effect of missense changes on protein structure and function output the following: SIFT: "Tolerated"; PolyPhen-2: "Benign"; Align-GVGD: "Class C0". The threonine amino acid residue is found in multiple mammalian species, which suggests that this missense change does not adversely affect protein function. This missense change has been observed in individual(s) with melanoma (PMID: 25064638). This variant is not present in population databases (gnomAD no frequency).

Literature cited by the submitters: PubMed 25064638.

NM_000077.5(CDKN2A):c.31C>A (p.Pro11Thr)

Gene: CDKN2A (cyclin dependent kinase inhibitor 2A; minus strand). Cytogenetic location: 9p21.3.
Variant type: single nucleotide variant.
Coding change: c.31C>A on transcript NM_000077.5; coding-DNA position 31, C replaced by A.
Protein change: p.Pro11Thr; replaces proline 11 with threonine.
Molecular consequence: missense variant (on NM_000077.6). On other transcripts: intron variant (2).
Genome position (GRCh38, 1-based): chr9:21,974,797, G>T on the plus strand (C>A on the coding strand, the complement: CDKN2A is on the minus strand). VCF-style: chr9-21974797-G-T. GRCh37 (hg19) VCF-style: chr9-21974796-G-T.
Other names: c.31C>A, p.Pro11Thr (NM_000077.6, NM_001195132.2, NM_058197.5); c.-3-3589C>A (NM_001363763.2); c.194-3589C>A (NM_058195.4); short protein forms P11T.
Identifiers: ClinVar variation 1405946 (VCV001405946.4), dbSNP rs1587340371, ClinGen allele CA373086683.